The following is an entry in ClinVar:

NM_001378454.1(ALMS1):c.2179C>T (p.Gln727Ter)

Gene: ALMS1 (ALMS1 centrosome and basal body associated protein; plus strand). Cytogenetic location: 2p13.1.
Variant type: single nucleotide variant.
Coding change: c.2179C>T on transcript NM_001378454.1 (MANE Select); coding-DNA position 2179, C replaced by T.
Protein change: p.Gln727Ter; replaces glutamine 727 with a stop codon.
Molecular consequence: nonsense.
Genome position (GRCh38, 1-based): chr2:73,448,706, C>T. VCF-style: chr2-73448706-C-T. GRCh37 (hg19) VCF-style: chr2-73675833-C-T.
Other names: c.2182C>T, p.Gln728Ter (NM_015120.4); short protein forms Q728*, Q727*.
Identifiers: ClinVar variation 2916900 (VCV002916900.3), dbSNP rs1671859674, ClinGen allele CA347267076.
Genomic context (GRCh38, chr2:73,448,706, plus strand): 5'-GGGACAGCAACAGTACTCTCTACTCCCCACTCACATAGAGAGAAGCCTGGTATTTTTTAC[C>T]AACAAGAGTTCGCAGACAGTCATCAAACTGAAGAGACTCTTACTAAAGTTTCAGCCACTC-3'

ClinVar aggregate classification (germline): Pathogenic (1 of 4 stars; one submission).

Conditions:
Alstrom syndrome (ALMS). Identifiers: Orphanet 64, MedGen C0268425, MONDO:0008763, OMIM 203800.

Submission:

Labcorp Genetics (formerly Invitae), Labcorp
Classification: Pathogenic for Alstrom syndrome. Last evaluated: 2023-09-08. Review status: criteria provided, single submitter. Criteria: Invitae Variant Classification Sherloc (09022015). Collection method: clinical testing. Allele origin: germline.
Comment: For these reasons, this variant has been classified as Pathogenic. This variant has not been reported in the literature in individuals affected with ALMS1-related conditions. This variant is not present in population databases (gnomAD no frequency). This sequence change creates a premature translational stop signal (p.Gln728*) in the ALMS1 gene. It is expected to result in an absent or disrupted protein product. Loss-of-function variants in ALMS1 are known to be pathogenic (PMID: 17594715).

Literature cited by the submitters: PubMed 17594715.